The following is an entry in ClinVar:

ClinVar aggregate classification (germline): Pathogenic (1 of 4 stars; one submission).

Conditions:
Jeune thoracic dystrophy. Also called: Short-rib thoracic dysplasia; Jeune syndrome; Infantile thoracic dystrophy; Thoracic pelvic phalangeal dystrophy; Jeune's syndrome; Chondroectodermal dysplasia-like syndrome. Identifiers: Orphanet 474, MedGen C0265275, MONDO:0018770.

Submission:

Labcorp Genetics (formerly Invitae), Labcorp
Classification: Pathogenic for Jeune thoracic dystrophy. Last evaluated: 2022-10-05. Review status: criteria provided, single submitter. Criteria: Invitae Variant Classification Sherloc (09022015). Collection method: clinical testing. Allele origin: germline.
Comment: A gross deletion of the genomic region encompassing the full coding sequence of the DYNC2H1 gene has been identified. Loss-of-function variants in DYNC2H1 are known to be pathogenic (PMID: 23339108, 32753734). The boundaries of this event are unknown as they extend beyond the assayed region for this gene and therefore may encompass additional genes. For these reasons, this variant has been classified as Pathogenic. This variant has not been reported in the literature in individuals affected with DYNC2H1-related conditions.

Literature cited by the submitters: PubMed 23339108; PubMed 32753734.

NC_000011.9:g.(?_103039464)_(103041817_?)del

Gene: DYNC2H1 (dynein cytoplasmic 2 heavy chain 1; plus strand). Cytogenetic location: 11q22.3.
Variant type: Deletion.
Identifiers: ClinVar variation 2423648 (VCV002423648.4).